The following is an entry in ClinVar:

ClinVar aggregate classification (germline): Likely benign (1 of 4 stars; one submission).

Allele frequency attached by ClinVar (database versions not stated): gnomAD 0.00001 and 0.00003.
gnomAD v4.1: 9 of 1,359,708 alleles (0.00066%); highest among the groups gnomAD compares: Admixed American, 0.0031%; no homozygotes.

Submission:

GeneDx
Classification: Likely benign. Last evaluated: 2018-02-26. Review status: criteria provided, single submitter. Criteria: GeneDx Variant Classification (06012015). Collection method: clinical testing. Allele origin: germline. Affected: yes.
Comment: This variant is considered likely benign or benign based on one or more of the following criteria: it is a conservative change, it occurs at a poorly conserved position in the protein, it is predicted to be benign by multiple in silico algorithms, and/or has population frequency not consistent with disease.

NM_001330078.2(NRXN1):c.3365-110011C>T

Gene: NRXN1 (neurexin 1; minus strand). Cytogenetic location: 2p16.3.
Variant type: single nucleotide variant.
Coding change: c.3365-110011C>T on transcript NM_001330078.2 (MANE Select); 110011 bases into the intron before coding-DNA position 3365, C replaced by T.
Molecular consequence: intron variant. On other transcripts: 5 prime UTR variant (4).
Genome position (GRCh38, 1-based): chr2:50,346,981, G>A on the plus strand (C>T on the coding strand, the complement: NRXN1 is on the minus strand). VCF-style: chr2-50346981-G-A. GRCh37 (hg19) VCF-style: chr2-50574119-G-A.
Other names: c.-32C>T (NM_001330091.2, NM_001330092.2, NM_001330097.2 and 1 more transcripts); c.3254-110011C>T (NM_001330096.2, NM_001330087.2); c.3299-110011C>T (NM_001330083.2, NM_001330084.2); c.3284-110011C>T (NM_001330088.2); c.3362-110011C>T (NM_001330093.2); c.3353-110011C>T (NM_001330094.2); c.3314-110011C>T (NM_001330095.2); c.3341-110011C>T (NM_001330082.2, NM_001330077.2); and 3 more.
Identifiers: ClinVar variation 515580 (VCV000515580.1), dbSNP rs1446478264, ClinGen allele CA532632188.
Genomic context (GRCh38, chr2:50,346,981, plus strand): 5'-GCGCCGCACCGGAGCATCCTCTGGTACATGGCGGGGCGCCCGCCGAGGGGCAGCCGCCGC[G>A]GGAGGCAAAGTTTGGGGCGCGGGGAGAGGAGAGGGCGCAGGGGAGCGGGCGGCGCGGAGT-3'